The following is an entry in ClinVar:

ClinVar aggregate classification (germline): Uncertain significance (1 of 4 stars; one submission).

Conditions:
Brugada syndrome. Also called: Sudden Unexplained Death Syndrome; Sudden Unexplained Nocturnal Death Syndrome (SUNDS); Sudden unexpected nocturnal death syndrome; Sudden unexplained nocturnal death syndrome. Identifiers: Orphanet 130, MedGen C1142166, MONDO:0015263.

Allele frequency attached by ClinVar (database versions not stated): gnomAD exomes below 0.00001; TOPMed below 0.00001; ExAC 0.00001.
gnomAD v4.1: 3 of 1,613,860 alleles (0.00019%); highest among the groups gnomAD compares: Non-Finnish European, 0.00025%; no homozygotes.

Submission:

Labcorp Genetics (formerly Invitae), Labcorp
Classification: Uncertain significance for Brugada syndrome. Last evaluated: 2021-05-07. Review status: criteria provided, single submitter. Criteria: Invitae Variant Classification Sherloc (09022015). Collection method: clinical testing. Allele origin: germline.
Comment: In summary, the available evidence is currently insufficient to determine the role of this variant in disease. Therefore, it has been classified as a Variant of Uncertain Significance. Algorithms developed to predict the effect of sequence changes on RNA splicing suggest that this variant may disrupt the consensus splice site, but this prediction has not been confirmed by published transcriptional studies. This variant has not been reported in the literature in individuals with SCN10A-related conditions. This variant is present in population databases (rs746795885, ExAC 0.002%). This sequence change affects a donor splice site in intron 4 of the SCN10A gene. It is expected to disrupt RNA splicing. Variants that disrupt the donor or acceptor splice site typically lead to a loss of protein function (PMID: 16199547), however the current clinical and genetic evidence is not sufficient to establish whether loss-of-function variants in SCN10A cause disease.

Literature cited by the submitters: PubMed 16199547.

NM_006514.4(SCN10A):c.599+2T>C

Gene: SCN10A (sodium voltage-gated channel alpha subunit 10; minus strand). Cytogenetic location: 3p22.2.
Variant type: single nucleotide variant.
Coding change: c.599+2T>C on transcript NM_006514.4 (MANE Select); the canonical splice donor site of the intron after coding-DNA position 599, T replaced by C.
Molecular consequence: splice donor variant.
Genome position (GRCh38, 1-based): chr3:38,771,277, A>G on the plus strand (T>C on the coding strand, the complement: SCN10A is on the minus strand). VCF-style: chr3-38771277-A-G. GRCh37 (hg19) VCF-style: chr3-38812768-A-G.
Other names: c.599+2T>C (NM_001293307.2, NM_001293306.2).
Identifiers: ClinVar variation 1425777 (VCV001425777.8), dbSNP rs746795885, ClinGen allele CA2321155.